The following is an entry in ClinVar:

ClinVar aggregate classification (germline): Conflicting classifications of pathogenicity. Review status: criteria provided, conflicting classifications (1 of 4 stars). 5 submissions from 5 submitters: Uncertain significance (4); Likely benign (1). Last evaluated 2024-10-01.

Conditions:
Hereditary cancer-predisposing syndrome. Also called: Tumor predisposition; Hereditary Cancer Syndrome; Neoplastic Syndromes, Hereditary; Hereditary neoplastic syndrome. Identifiers: Orphanet 140162, MedGen C0027672, MeSH D009386, MONDO:0015356.
Ataxia-telangiectasia syndrome (AT). Also called: Cerebello-oculocutaneous telangiectasia; Immunodeficiency with ataxia telangiectasia; Ataxia-telangiectasia, complementation group D; AT, COMPLEMENTATION GROUP C; Ataxia-telangiectasia, complementation group E; LOUIS-BAR SYNDROME. Identifiers: Orphanet 100, MedGen C0004135, MONDO:0008840, OMIM 208900.

gnomAD v4.1: 19 of 1,614,140 alleles (0.0012%); highest among the groups gnomAD compares: East Asian, 0.04%; no homozygotes.

Submissions (5):

Ambry Genetics
Classification: Likely benign for Hereditary cancer-predisposing syndrome. Last evaluated: 2024-10-01. Review status: criteria provided, single submitter. Criteria: Ambry Variant Classification Scheme 2023. Collection method: clinical testing. Allele origin: germline.

Color Diagnostics, LLC DBA Color Health
Classification: Uncertain significance for Hereditary cancer-predisposing syndrome. Last evaluated: 2024-06-17. Review status: criteria provided, single submitter. Criteria: ACMG Guidelines, 2015. Collection method: clinical testing. Allele origin: germline.
Comment: This missense variant replaces valine with isoleucine at codon 519 of the ATM protein. Computational prediction suggests that this variant may not impact protein structure and function. To our knowledge, functional studies have not been reported for this variant. In a breast cancer case-control study conducted in Japan, this variant was reported in 4/7051 female breast cancer cases, 13/11241 female controls, 19/12490 male controls, and absent in 53 male breast cancer cases (PMID: 30287823). This variant has also been reported in individuals affected with biliary tract cancer and Peutz-Jeghers syndrome (PMID: 34754157, 36243179). This variant has not been identified in the general population by the Genome Aggregation Database (gnomAD). The available evidence is insufficient to determine the role of this variant in disease conclusively. Therefore, this variant is classified as a Variant of Uncertain Significance.

GeneDx
Classification: Uncertain significance. Last evaluated: 2023-12-31. Review status: criteria provided, single submitter. Criteria: GeneDx Variant Classification Process June 2021. Collection method: clinical testing. Allele origin: germline. Affected: yes.
Comment: In silico analysis supports that this missense variant does not alter protein structure/function; Not observed at significant frequency in large population cohorts (gnomAD); This variant is associated with the following publications: (PMID: 30287823, 34754157, 36243179, 37377590)

Women's Health and Genetics/Laboratory Corporation of America, LabCorp
Classification: Uncertain significance. Last evaluated: 2023-08-15. Review status: criteria provided, single submitter. Criteria: LabCorp Variant Classification Summary - May 2015. Collection method: clinical testing. Allele origin: germline.
Comment: Variant summary: ATM c.1555G>A (p.Val519Ile) results in a conservative amino acid change in the encoded protein sequence. Five of five in-silico tools predict a benign effect of the variant on protein function. The variant was absent in 250948 control chromosomes. The available data on variant occurrences in the general population are insufficient to allow any conclusion about variant significance. c.1555G>A has been reported in the literature in individuals affected biliary tract cancer (Okawa_2023). This report does not provide unequivocal conclusions about association of the variant with Ataxia-Telangiectasia. To our knowledge, no experimental evidence demonstrating an impact on protein function has been reported. The following publication have been ascertained in the context of this evaluation (PMID: 36243179). Three submitters have cited clinical-significance assessments for this variant to ClinVar after 2014. All submitters classified the variant as uncertain significance. Based on the evidence outlined above, the variant was classified as uncertain significance.

Labcorp Genetics (formerly Invitae), Labcorp
Classification: Uncertain significance for Ataxia-telangiectasia syndrome. Last evaluated: 2022-08-17. Review status: criteria provided, single submitter. Criteria: Invitae Variant Classification Sherloc (09022015). Collection method: clinical testing. Allele origin: germline.
Comment: This sequence change replaces valine, which is neutral and non-polar, with isoleucine, which is neutral and non-polar, at codon 519 of the ATM protein (p.Val519Ile). This variant is not present in population databases (gnomAD no frequency). This missense change has been observed in individual(s) with breast cancer (PMID: 30287823). ClinVar contains an entry for this variant (Variation ID: 453377). Advanced modeling of protein sequence and biophysical properties (such as structural, functional, and spatial information, amino acid conservation, physicochemical variation, residue mobility, and thermodynamic stability) performed at Invitae indicates that this missense variant is not expected to disrupt ATM protein function. In summary, the available evidence is currently insufficient to determine the role of this variant in disease. Therefore, it has been classified as a Variant of Uncertain Significance.

Literature cited by the submitters: PubMed 30287823 (cited by Color Diagnostics, LLC DBA Color Health and Labcorp Genetics (formerly Invitae), Labcorp); PubMed 34754157 (cited by Color Diagnostics, LLC DBA Color Health); PubMed 36243179 (cited by Color Diagnostics, LLC DBA Color Health and Women's Health and Genetics/Laboratory Corporation of America, LabCorp).

NM_000051.4(ATM):c.1555G>A (p.Val519Ile)

Gene: ATM (ATM serine/threonine kinase; plus strand). Cytogenetic location: 11q22.3.
Variant type: single nucleotide variant.
Coding change: c.1555G>A on transcript NM_000051.4 (MANE Select); coding-DNA position 1555, G replaced by A.
Protein change: p.Val519Ile; replaces valine 519 with isoleucine.
Molecular consequence: missense variant.
Genome position (GRCh38, 1-based): chr11:108,251,020, G>A. VCF-style: chr11-108251020-G-A. GRCh37 (hg19) VCF-style: chr11-108121747-G-A.
Other names: c.1555G>A, p.Val519Ile (NM_001351834.2); short protein forms V519I.
Identifiers: ClinVar variation 453377 (VCV000453377.14), dbSNP rs758056561, ClinGen allele CA382534343.